The following is an entry in ClinVar:

ClinVar aggregate classification (germline): Uncertain significance. Review status: criteria provided, multiple submitters, no conflicts (2 of 4 stars). 2 submissions from 2 submitters: Uncertain significance (2). Last evaluated 2026-02-18.

Allele frequency attached by ClinVar (database versions not stated): ExAC 0.00001; gnomAD exomes 0.00002; TOPMed 0.00002; gnomAD 0.00004.
gnomAD v4.1: 25 of 1,209,319 alleles (0.0021%); highest among the groups gnomAD compares: Middle Eastern, 0.023%; no homozygotes.

Submissions (2):

Women's Health and Genetics/Laboratory Corporation of America, LabCorp
Classification: Uncertain significance. Last evaluated: 2026-02-18. Review status: criteria provided, single submitter. Criteria: LabCorp Variant Classification Summary - May 2015. Collection method: clinical testing. Allele origin: germline.
Comment: Variant summary: WNK3 c.4796G>A (p.Arg1599His) results in a non-conservative amino acid change in the encoded protein sequence. Algorithms developed to predict the effect of missense changes on protein structure and function all suggest that this variant is likely to be disruptive. The variant allele was found at a frequency of 1.1e-05 in 183484 control chromosomes. The available data on variant occurrences in the general population are insufficient to allow any conclusion about variant significance. To our knowledge, no occurrence of c.4796G>A in individuals affected with WNK3-related conditions and no experimental evidence demonstrating its impact on protein function have been reported. ClinVar contains an entry for this variant (Variation ID: 2308658). Based on the evidence outlined above, the variant was classified as uncertain significance.

Ambry Genetics
Classification: Uncertain significance. Last evaluated: 2025-03-22. Review status: criteria provided, single submitter. Criteria: Ambry Variant Classification Scheme 2023. Collection method: clinical testing. Allele origin: germline.

NM_020922.5(WNK3):c.4796G>A (p.Arg1599His)

Gene: WNK3 (WNK lysine deficient protein kinase 3; minus strand). Cytogenetic location: Xp11.22.
Variant type: single nucleotide variant.
Coding change: c.4796G>A on transcript NM_020922.5 (MANE Select); coding-DNA position 4796, G replaced by A.
Protein change: p.Arg1599His; replaces arginine 1599 with histidine.
Molecular consequence: missense variant.
Genome position (GRCh38, 1-based): chrX:54,232,853, C>T on the plus strand (G>A on the coding strand, the complement: WNK3 is on the minus strand). VCF-style: chrX-54232853-C-T. GRCh37 (hg19) VCF-style: chrX-54259286-C-T.
Other names: c.4655G>A, p.Arg1552His (NM_001002838.4, NM_001395166.1); short protein forms R1552H, R1599H.
Identifiers: ClinVar variation 2308658 (VCV002308658.4), dbSNP rs782454662, ClinGen allele CA10424186.